The following is an entry in ClinVar:

NM_003805.5(CRADD):c.509G>A (p.Arg170His)

Gene: CRADD (CARD and death domain containing adaptor protein; plus strand). Cytogenetic location: 12q22.
Variant type: single nucleotide variant.
Coding change: c.509G>A on transcript NM_003805.5 (MANE Select); coding-DNA position 509, G replaced by A.
Protein change: p.Arg170His; replaces arginine 170 with histidine.
Molecular consequence: missense variant. On other transcripts: intron variant (1).
Genome position (GRCh38, 1-based): chr12:93,850,180, G>A. VCF-style: chr12-93850180-G-A. GRCh37 (hg19) VCF-style: chr12-94243956-G-A.
Other names: CRADD, ARG170HIS (rs141179774); c.509G>A, p.Arg170His (NM_001320099.2); c.299-43870G>A (NM_001320100.2); short protein forms R170H.
Identifiers: ClinVar variation 372191 (VCV000372191.8), dbSNP rs141179774, ClinGen allele CA6720248.

ClinVar aggregate classification (germline): Pathogenic. Review status: criteria provided, multiple submitters, no conflicts (2 of 4 stars). 5 submissions from 5 submitters: Pathogenic (3). 2 of the submissions do not count toward it. Last evaluated 2025-02-17.

Conditions:
Intellectual disability. Also called: intellectual disabilities; Intellectual functioning disability; Intellectual developmental disorder. Identifiers: MedGen C3714756, MeSH D008607, MONDO:0001071, HP:0001249.
CRADD-related disorder. Also called: CRADD-related condition.
Intellectual developmental disorder, autosomal recessive 34, with variant lissencephaly. Also called: Intellectual disability, autosomal recessive 34. Identifiers: Orphanet 88616, MedGen C3281044, MONDO:0013785, OMIM 614499.

Allele frequency attached by ClinVar (database versions not stated): TOPMed 0.00004; ESP Exome Variant Server 0.00015; 1000 Genomes Project 30x 0.00016; gnomAD 0.00050 and 0.00053; ExAC 0.00053; 1000 Genomes Project 0.00020; gnomAD exomes 0.00025 and 0.00058.
gnomAD v4.1: 442 of 1,613,712 alleles (0.027%); highest among the groups gnomAD compares: Non-Finnish European, 0.0042%; no homozygotes.

Submissions (5):

Labcorp Genetics (formerly Invitae), Labcorp
Classification: Pathogenic. Last evaluated: 2025-02-17. Review status: criteria provided, single submitter. Criteria: Invitae Variant Classification Sherloc (09022015). Collection method: clinical testing. Allele origin: germline.
Comment: This sequence change replaces arginine, which is basic and polar, with histidine, which is basic and polar, at codon 170 of the CRADD protein (p.Arg170His). This variant is present in population databases (rs141179774, gnomAD 0.6%), and has an allele count higher than expected for a pathogenic variant. This missense change has been observed in individual(s) with "thin" lissencephaly (PMID: 27773430, 30914828). It is commonly reported in individuals of Finn ancestry (PMID: 30914828). ClinVar contains an entry for this variant (Variation ID: 372191). An algorithm developed to predict the effect of missense changes on protein structure and function (PolyPhen-2) suggests that this variant is likely to be disruptive. Experimental studies have shown that this missense change affects CRADD function (PMID: 27773430, 30914828). For these reasons, this variant has been classified as Pathogenic.

Blueprint Genetics
Classification: Pathogenic for CRADD-related disorders. Last evaluated: 2024-11-21. Review status: criteria provided, single submitter. Criteria: ACMG Guidelines, 2015. Collection method: clinical testing. Allele origin: germline. Affected: yes. Observed: 5 variant alleles.

Center for Statistical Genetics, Columbia University
Classification: Pathogenic for Intellectual disability. Last evaluated: 2020-10-16. Review status: criteria provided, single submitter. Criteria: ACMG Guidelines, 2015. Collection method: research. Allele origin: inherited. Affected: yes.

OMIM
Classification: Pathogenic for INTELLECTUAL DEVELOPMENTAL DISORDER, AUTOSOMAL RECESSIVE 34, WITH VARIANT LISSENCEPHALY. Last evaluated: 2023-02-17. Review status: no assertion criteria provided. Collection method: literature only. Allele origin: germline. Not counted in ClinVar's aggregate classification.

Reproductive Health Research and Development, BGI Genomics
Classification: Likely pathogenic for Mental retardation, autosomal recessive 34. Last evaluated: 2020-01-06. Review status: no assertion criteria provided. Collection method: curation. Allele origin: germline. Not counted in ClinVar's aggregate classification.
Comment: NM_003805.3:c.509G>A in the CRADD gene has an allele frequency of 0.006 in European (Finnish) subpopulation in the gnomAD database. Functional studies demonstrate that Arg107Cys failed to induce cell death (PMID:27773430). Pathogenic computational verdict because pathogenic predictions from DANN, DEOGEN2, EIGEN, FATHMM-MKL, M-CAP, MutationAssessor, MutationTaster, REVEL and SIFT. The patient's phenotype is highly specific for CRADD gene(PMID: 27773430). Taken together, we interprete this variant as Pathogenic/Likely pathogenic. ACMG/AMP criteria applied: PS3; PP3; PP4.

Literature cited by the submitters: PubMed 27773430 (cited by Labcorp Genetics (formerly Invitae), Labcorp and OMIM); PubMed 30914828 (cited by Labcorp Genetics (formerly Invitae), Labcorp and OMIM).